The following is an entry in ClinVar:

NM_018960.6(GNMT):c.185T>C (p.Leu62Pro)

Genes: CNPY3-GNMT (CNPY3-GNMT readthrough; plus strand), GNMT (glycine N-methyltransferase; plus strand). Cytogenetic location: 6p21.1.
Variant type: single nucleotide variant.
Coding change: c.185T>C on transcript NM_018960.6 (MANE Select); coding-DNA position 185, T replaced by C.
Protein change: p.Leu62Pro; replaces leucine 62 with proline.
Molecular consequence: missense variant. On other transcripts: non-coding transcript variant (1), intron variant (3).
Genome position (GRCh38, 1-based): chr6:42,960,952, T>C. VCF-style: chr6-42960952-T-C. GRCh37 (hg19) VCF-style: chr6-42928690-T-C.
Other names: c.185T>C, p.Leu62Pro (NM_001318865.2); c.9-1260T>C (NM_001318856.2); c.152-1810T>C (NM_001318857.2, NM_001318858.2); short protein forms L62P.
Identifiers: ClinVar variation 2752570 (VCV002752570.3), dbSNP rs1315909137, ClinGen allele CA364143558.

ClinVar aggregate classification (germline): Uncertain significance (1 of 4 stars; one submission).

Allele frequency attached by ClinVar (database versions not stated): gnomAD exomes below 0.00001.
gnomAD v4.1: 1 of 1,562,624 alleles (0.000064%); highest among the groups gnomAD compares: African/African-American, 0.0013%; no homozygotes.

Submission:

Labcorp Genetics (formerly Invitae), Labcorp
Classification: Uncertain significance. Last evaluated: 2023-08-14. Review status: criteria provided, single submitter. Criteria: Invitae Variant Classification Sherloc (09022015). Collection method: clinical testing. Allele origin: germline.
Comment: This sequence change replaces leucine, which is neutral and non-polar, with proline, which is neutral and non-polar, at codon 62 of the GNMT protein (p.Leu62Pro). The frequency data for this variant in the population databases is considered unreliable, as metrics indicate poor data quality at this position in the gnomAD database. This variant has not been reported in the literature in individuals affected with GNMT-related conditions. Advanced modeling of protein sequence and biophysical properties (such as structural, functional, and spatial information, amino acid conservation, physicochemical variation, residue mobility, and thermodynamic stability) performed at Invitae indicates that this missense variant is expected to disrupt GNMT protein function. In summary, the available evidence is currently insufficient to determine the role of this variant in disease. Therefore, it has been classified as a Variant of Uncertain Significance.